The following is an entry in ClinVar:

ClinVar aggregate classification (germline): Pathogenic (1 of 4 stars; one submission).

Conditions:
Developmental and epileptic encephalopathy, 54. Also called: Epileptic encephalopathy, early infantile, 54; HNRNPU-Related Neurodevelopmental Disorder. Identifiers: MedGen C4479319, MONDO:0033363, OMIM 617391.

Submission:

Labcorp Genetics (formerly Invitae), Labcorp
Classification: Pathogenic for Developmental and epileptic encephalopathy, 54. Last evaluated: 2023-10-18. Review status: criteria provided, single submitter. Criteria: Invitae Variant Classification Sherloc (09022015). Collection method: clinical testing. Allele origin: unknown.
Comment: A gross deletion of the genomic region encompassing the full coding sequence of the HNRNPU gene has been identified. Loss-of-function variants in HNRNPU are known to be pathogenic (PMID: 22678713, 28283832). The boundaries of this event are unknown as they extend beyond the assayed region for this gene and therefore may encompass additional genes. This variant has not been reported in the literature in individuals affected with HNRNPU-related conditions. For these reasons, this variant has been classified as Pathogenic.

Literature cited by the submitters: PubMed 22678713; PubMed 28283832.

NC_000001.10:g.(?_243668551)_(245027609_?)del

Genes: ADSS2 (adenylosuccinate synthase 2; minus strand), AKT3 (AKT serine/threonine kinase 3; minus strand), CATSPERE (catsper channel auxiliary subunit epsilon; plus strand), COX20 (cytochrome c oxidase assembly factor COX20; plus strand), DESI2 (desumoylating isopeptidase 2; plus strand) and 3 more. Cytogenetic location: 1q43-44.
Variant type: Deletion.
Identifiers: ClinVar variation 3247849 (VCV003247849.1).